The following is an entry in ClinVar:

ClinVar aggregate classification (germline): Uncertain significance (1 of 4 stars; one submission).

Submission:

GeneDx
Classification: Uncertain significance. Last evaluated: 2023-01-19. Review status: criteria provided, single submitter. Criteria: GeneDx Variant Classification Process June 2021. Collection method: clinical testing. Allele origin: germline. Affected: yes.
Comment: Not observed at significant frequency in large population cohorts (gnomAD); In silico analysis supports that this missense variant has a deleterious effect on protein structure/function; Has not been previously published as pathogenic or benign to our knowledge

NM_001009944.3(PKD1):c.7097T>A (p.Val2366Glu)

Gene: PKD1 (polycystin 1, transient receptor potential channel interacting; minus strand). Cytogenetic location: 16p13.3.
Variant type: single nucleotide variant.
Coding change: c.7097T>A on transcript NM_001009944.3 (MANE Select); coding-DNA position 7097, T replaced by A.
Protein change: p.Val2366Glu; replaces valine 2366 with glutamic acid.
Molecular consequence: missense variant.
Genome position (GRCh38, 1-based): chr16:2,106,917, A>T on the plus strand (T>A on the coding strand, the complement: PKD1 is on the minus strand). VCF-style: chr16-2106917-A-T. GRCh37 (hg19) VCF-style: chr16-2156918-A-T.
Other names: c.7097T>A, p.Val2366Glu (NM_000296.4); short protein forms V2366E.
Identifiers: ClinVar variation 2573980 (VCV002573980.1), dbSNP rs2544785124, ClinGen allele CA394372093.